The following is an entry in ClinVar:

ClinVar aggregate classification (germline): Uncertain significance (1 of 4 stars; one submission).

Conditions:
Familial adenomatous polyposis 1 (FAP1). Also called: POLYPOSIS, ADENOMATOUS INTESTINAL; FAMILIAL ADENOMATOUS POLYPOSIS 1, ATTENUATED. Identifiers: MedGen C2713442, MONDO:0021056, OMIM 175100. Disease mechanism: loss of function.

Submission:

Labcorp Genetics (formerly Invitae), Labcorp
Classification: Uncertain significance for Familial adenomatous polyposis 1. Last evaluated: 2025-10-03. Review status: criteria provided, single submitter. Criteria: Invitae Variant Classification Sherloc (09022015). Collection method: clinical testing. Allele origin: germline.
Comment: This variant occurs in a non-coding region of the APC gene. It does not change the encoded amino acid sequence of the APC protein. This variant is not present in population databases (gnomAD no frequency). This variant has not been reported in the literature in individuals affected with APC-related conditions. Experimental studies and prediction algorithms are not available or were not evaluated, and the functional significance of this variant is currently unknown. In summary, the available evidence is currently insufficient to determine the role of this variant in disease. Therefore, it has been classified as a Variant of Uncertain Significance.

NM_001127511.3(APC):c.45T>G (p.Ala15=)

Gene: APC (APC regulator of Wnt signaling pathway; plus strand). Cytogenetic location: 5q22.2.
Variant type: single nucleotide variant.
Coding change: c.45T>G on transcript NM_001127511.3; coding-DNA position 45, T replaced by G.
Protein change: p.Ala15=; no amino-acid change (alanine 15 retained).
Molecular consequence: synonymous variant. On other transcripts: 5 prime UTR variant (8), non-coding transcript variant (1), intron variant (5).
Genome position (GRCh38, 1-based): chr5:112,707,762, T>G. VCF-style: chr5-112707762-T-G. GRCh37 (hg19) VCF-style: chr5-112043459-T-G.
Other names: c.-139T>G (NM_001354895.2, NM_001407447.1, NM_001407452.1 and 3 more transcripts); c.45T>G, p.Ala15= (NM_001354897.2, NM_001354902.2, NM_001407446.1); c.-1174T>G (NM_001407470.1, NM_001407472.1); c.-19+113T>G (NM_001407448.1, NM_001407450.1, NM_001407457.1 and 1 more transcripts); c.-43+113T>G (NM_001407453.1).
Identifiers: ClinVar variation 4728413 (VCV004728413.1).